The following is an entry in ClinVar:

ClinVar aggregate classification (germline): Conflicting classifications of pathogenicity. Review status: criteria provided, conflicting classifications (1 of 4 stars). 4 submissions from 4 submitters: Likely pathogenic (1); Uncertain significance (2). 1 of the submissions does not count toward it. Last evaluated 2026-05-08.

Conditions:
Inborn genetic diseases. Identifiers: MedGen C0950123, MeSH D030342.
Maple syrup urine disease type 1A (MSUD1A). Also called: MSUD type 1A. Identifiers: MedGen C1855369, MONDO:0023691, OMIM 248600.
Maple syrup urine disease (MSUD). Identifiers: Orphanet 511, MedGen C0024776, MeSH D008375, MONDO:0009563. Disease mechanism: loss of function.

Allele frequency attached by ClinVar (database versions not stated): ExAC 0.00003; TOPMed 0.00004; gnomAD 0.00005; gnomAD exomes 0.00006.
gnomAD v4.1: 97 of 1,613,842 alleles (0.006%); highest among the groups gnomAD compares: Non-Finnish European, 0.0072%; no homozygotes.

Submissions (4):

Myriad Genetics, Inc.
Classification: Uncertain significance for Maple syrup urine disease type 1A. Last evaluated: 2026-05-08. Review status: criteria provided, single submitter. Criteria: Myriad Autosomal Dominant, Autosomal Recessive and X-Linked Classification Criteria (2023). Collection method: clinical testing. Allele origin: unknown.
Comment: NM_000709.3(BCKDHA):c.673C>T(R225W) is a missense variant classified as a variant of uncertain significance in the context of maple syrup urine disease type Ia. R225W has been observed in a case with relevant disease (PMID: 38784038). Relevant functional assessments of this variant are not available in the literature. R225W has been observed in referenced population frequency databases. In summary, there is insufficient evidence to classify NM_000709.3(BCKDHA):c.673C>T(R225W) as pathogenic or benign. Please note: this variant was assessed in the context of healthy population screening.

Labcorp Genetics (formerly Invitae), Labcorp
Classification: Likely pathogenic for Maple syrup urine disease. Last evaluated: 2025-11-24. Review status: criteria provided, single submitter. Criteria: Invitae Variant Classification Sherloc (09022015). Collection method: clinical testing. Allele origin: germline.
Comment: This sequence change replaces arginine, which is basic and polar, with tryptophan, which is neutral and slightly polar, at codon 225 of the BCKDHA protein (p.Arg225Trp). This variant is present in population databases (no rsID available, gnomAD 0.004%). This missense change has been observed in individual(s) with clinical features of maple syrup urine disease (PMID: 38784038; internal data). In at least one individual the data is consistent with being in trans (on the opposite chromosome) from a pathogenic variant. ClinVar contains an entry for this variant (Variation ID: 2050562). Invitae Evidence Modeling of protein sequence and biophysical properties (such as structural, functional, and spatial information, amino acid conservation, physicochemical variation, residue mobility, and thermodynamic stability) indicates that this missense variant is expected to disrupt BCKDHA protein function with a positive predictive value of 80%. In summary, the currently available evidence indicates that the variant is pathogenic, but additional data are needed to prove that conclusively. Therefore, this variant has been classified as Likely Pathogenic.

Ambry Genetics
Classification: Uncertain significance for Inborn genetic diseases. Last evaluated: 2024-01-23. Review status: criteria provided, single submitter. Criteria: Ambry Variant Classification Scheme 2023. Collection method: clinical testing. Allele origin: germline.

Neonatal Disease Screening Center, Medical Genetics Center, Huaihua City Maternal and Child Health Care Hospital
Classification: Uncertain significance for Maple syrup urine disease type 1A. Review status: no assertion criteria provided. Criteria: ACMG Guidelines, 2015. Collection method: clinical testing. Allele origin: germline. Affected: yes. Observed: 1 variant allele. Not counted in ClinVar's aggregate classification.
Comment: PM2_P+PP3

Literature cited by the submitters: PubMed 38784038 (cited by Myriad Genetics, Inc. and Labcorp Genetics (formerly Invitae), Labcorp).

NM_000709.4(BCKDHA):c.673C>T (p.Arg225Trp)

Gene: BCKDHA (branched chain keto acid dehydrogenase E1 subunit alpha; plus strand). Cytogenetic location: 19q13.2.
Variant type: single nucleotide variant.
Coding change: c.673C>T on transcript NM_000709.4 (MANE Select); coding-DNA position 673, C replaced by T.
Protein change: p.Arg225Trp; replaces arginine 225 with tryptophan.
Molecular consequence: missense variant.
Genome position (GRCh38, 1-based): chr19:41,422,190, C>T. VCF-style: chr19-41422190-C-T. GRCh37 (hg19) VCF-style: chr19-41928095-C-T.
Other names: c.673C>T (NM_000709.3); c.673C>T, p.Arg225Trp (NM_001164783.2); short protein forms R225W.
Identifiers: ClinVar variation 2050562 (VCV002050562.6), dbSNP rs1326623899, ClinGen allele CA9461239.